The following is an entry in ClinVar:

ClinVar aggregate classification (germline): Conflicting classifications of pathogenicity. Review status: criteria provided, conflicting classifications (1 of 4 stars). 2 submissions from 2 submitters: Uncertain significance (1); Likely benign (1). Last evaluated 2023-03-23.

Conditions:
Hereditary cancer-predisposing syndrome. Also called: Tumor predisposition; Hereditary neoplastic syndrome; Hereditary Cancer Syndrome; Neoplastic Syndromes, Hereditary. Identifiers: Orphanet 140162, MedGen C0027672, MeSH D009386, MONDO:0015356.
Hereditary breast ovarian cancer syndrome. Also called: Hereditary breast and ovarian cancer; Breast and ovarian cancer; Hereditary breast and ovarian cancer syndrome; BRCA1- and BRCA2-Associated Hereditary Breast and Ovarian Cancer; Hereditary breast and/or ovarian cancer syndrome; Hereditary breast and ovarian cancer syndrome (HBOC). Identifiers: Orphanet 145, MedGen C0677776, MeSH D061325, MONDO:0003582. Disease mechanism: loss of function.

Submissions (2):

University of Washington Department of Laboratory Medicine, University of Washington
Classification: Likely benign for Hereditary cancer-predisposing syndrome. Last evaluated: 2023-03-23. Review status: criteria provided, single submitter. Criteria: Dines et al. (Genet Med. 2020). Collection method: curation. Allele origin: germline.
Comment: Missense variant in a coldspot region where missense variants are very unlikely to be pathogenic (PMID:31911673).

BRCA2 exon 11 coldspot. Reclassification based on statistical prior probability.

Labcorp Genetics (formerly Invitae), Labcorp
Classification: Uncertain significance for Hereditary breast ovarian cancer syndrome. Last evaluated: 2018-05-16. Review status: criteria provided, single submitter. Criteria: Invitae Variant Classification Sherloc (09022015). Collection method: clinical testing. Allele origin: germline.
Comment: Algorithms developed to predict the effect of missense changes on protein structure and function (SIFT, PolyPhen-2, Align-GVGD) all suggest that this variant is likely to be tolerated, but these predictions have not been confirmed by published functional studies and their clinical significance is uncertain. In summary, the available evidence is currently insufficient to determine the role of this variant in disease. Therefore, it has been classified as a Variant of Uncertain Significance. This variant has not been reported in the literature in individuals with BRCA2-related disease. This variant is not present in population databases (ExAC no frequency). This sequence change replaces cysteine with arginine at codon 670 of the BRCA2 protein (p.Cys670Arg). The cysteine residue is weakly conserved and there is a large physicochemical difference between cysteine and arginine.

NM_000059.4(BRCA2):c.2008T>C (p.Cys670Arg)

Gene: BRCA2 (BRCA2 DNA repair associated; plus strand). Cytogenetic location: 13q13.1.
Variant type: single nucleotide variant.
Coding change: c.2008T>C on transcript NM_000059.4 (MANE Select); coding-DNA position 2008, T replaced by C.
Protein change: p.Cys670Arg; replaces cysteine 670 with arginine.
Molecular consequence: missense variant.
Genome position (GRCh38, 1-based): chr13:32,336,363, T>C. VCF-style: chr13-32336363-T-C. GRCh37 (hg19) VCF-style: chr13-32910500-T-C.
Other names: short protein forms C670R.
Identifiers: ClinVar variation 577291 (VCV000577291.10), dbSNP rs1566225927, ClinGen allele CA387768743.